The following is an entry in ClinVar:

NM_206933.4(USH2A):c.11155C>T (p.Arg3719Cys)

Gene: USH2A (usherin; minus strand). Cytogenetic location: 1q41.
Variant type: single nucleotide variant.
Coding change: c.11155C>T on transcript NM_206933.4 (MANE Select); coding-DNA position 11155, C replaced by T.
Protein change: p.Arg3719Cys; replaces arginine 3719 with cysteine.
Molecular consequence: missense variant.
Genome position (GRCh38, 1-based): chr1:215,759,736, G>A on the plus strand (C>T on the coding strand, the complement: USH2A is on the minus strand). VCF-style: chr1-215759736-G-A. GRCh37 (hg19) VCF-style: chr1-215933078-G-A.
Other names: short protein forms R3719C.
Identifiers: ClinVar variation 1005883 (VCV001005883.8), dbSNP rs758951363, ClinGen allele CA1393802.

ClinVar aggregate classification (germline): Conflicting classifications of pathogenicity. Review status: criteria provided, conflicting classifications (1 of 4 stars). 4 submissions from 4 submitters: Likely pathogenic (2); Uncertain significance (1). 1 of the submissions does not count toward it. Last evaluated 2026-01-28.

Conditions:
Usher syndrome type 2A. Also called: RETINAL DISEASE IN USHER SYNDROME TYPE IIA, MODIFIER OF; USHER SYNDROME, TYPE IIA. Identifiers: Orphanet 231178, Orphanet 886, MedGen C1848634, MONDO:0010169, OMIM 276901.
Retinitis pigmentosa 39 (RP39). Identifiers: Orphanet 791, MedGen C3151138, MONDO:0013436, OMIM 613809.

Allele frequency attached by ClinVar (database versions not stated): ExAC 0.00001; gnomAD exomes 0.00001; TOPMed 0.00001.
gnomAD v4.1: 17 of 1,613,862 alleles (0.0011%); highest among the groups gnomAD compares: Middle Eastern, 0.033%; no homozygotes.

Submissions (4):

Labcorp Genetics (formerly Invitae), Labcorp
Classification: Likely pathogenic. Last evaluated: 2026-01-28. Review status: criteria provided, single submitter. Criteria: Invitae Variant Classification Sherloc (09022015). Collection method: clinical testing. Allele origin: germline.
Comment: This sequence change replaces arginine, which is basic and polar, with cysteine, which is neutral and slightly polar, at codon 3719 of the USH2A protein (p.Arg3719Cys). This variant is present in population databases (rs758951363, gnomAD 0.007%). This variant has not been reported in the literature in individuals affected with USH2A-related conditions. ClinVar contains an entry for this variant (Variation ID: 1005883). Invitae Evidence Modeling of protein sequence and biophysical properties (such as structural, functional, and spatial information, amino acid conservation, physicochemical variation, residue mobility, and thermodynamic stability) indicates that this missense variant is expected to disrupt USH2A protein function with a positive predictive value of 95%. This variant disrupts the p.Arg3719 amino acid residue in USH2A. Other variant(s) that disrupt this residue have been determined to be pathogenic (PMID: 25133613, 28157192, 29641573, 30190494, 30280194). This suggests that this residue is clinically significant, and that variants that disrupt this residue are likely to be disease-causing. In summary, the currently available evidence indicates that the variant is pathogenic, but additional data are needed to prove that conclusively. Therefore, this variant has been classified as Likely Pathogenic.

First Genomix Gene Laboratory, Genetic Diagnostics Department
Classification: Likely pathogenic for Retinitis pigmentosa 39; Usher syndrome type 2A. Last evaluated: 2025-08-01. Review status: criteria provided, single submitter. Criteria: ACMG Guidelines, 2015. Collection method: clinical testing. Allele origin: germline. Inheritance: Autosomal recessive inheritance. Affected: no. Observed: 1 variant allele.

Blueprint Genetics
Classification: Uncertain significance. Last evaluated: 2022-02-02. Review status: criteria provided, single submitter. Criteria: ACMG Guidelines, 2015. Collection method: clinical testing. Allele origin: germline.

Natera, Inc.
Classification: Uncertain significance for Usher syndrome type 2A. Last evaluated: 2021-01-27. Review status: no assertion criteria provided. Collection method: clinical testing. Allele origin: germline. Not counted in ClinVar's aggregate classification.

Literature cited by the submitters: PubMed 25133613 (cited by Labcorp Genetics (formerly Invitae), Labcorp); PubMed 28157192 (cited by Labcorp Genetics (formerly Invitae), Labcorp); PubMed 29641573 (cited by Labcorp Genetics (formerly Invitae), Labcorp); PubMed 30190494 (cited by Labcorp Genetics (formerly Invitae), Labcorp); PubMed 30280194 (cited by Labcorp Genetics (formerly Invitae), Labcorp).